The following is an entry in ClinVar:

ClinVar aggregate classification (germline): Conflicting classifications of pathogenicity. Review status: criteria provided, conflicting classifications (1 of 4 stars). 4 submissions from 4 submitters: Likely pathogenic (1); Uncertain significance (1). 2 of the submissions do not count toward it. Last evaluated 2024-11-11.

Conditions:
Charcot-Marie-Tooth disease type 4. Also called: Charcot-Marie-Tooth disease, type IV; Charcot-Marie-Tooth, Type 4. Identifiers: Orphanet 64749, MedGen C4082197, MONDO:0018995.
Charcot-Marie-Tooth disease type 4J (CMT4J). Also called: Charcot-Marie-Tooth Neuropathy Type 4J; CHARCOT-MARIE-TOOTH DISEASE, DEMYELINATING, TYPE 4J; CHARCOT-MARIE-TOOTH DISEASE, AUTOSOMAL RECESSIVE, TYPE 4J. Identifiers: Orphanet 139515, MedGen C1970011, MONDO:0012640, OMIM 611228.
Bilateral parasagittal parieto-occipital polymicrogyria. Also called: Polymicrogyria, bilateral temporooccipital. Identifiers: Orphanet 208441, MedGen C4013648, MONDO:0012986, OMIM 612691.

Allele frequency attached by ClinVar (database versions not stated): ExAC 0.00002; gnomAD exomes below 0.00001 and 0.00002; gnomAD 0.00002; TOPMed 0.00003.
gnomAD v4.1: 8 of 1,612,846 alleles (0.0005%); highest among the groups gnomAD compares: African/African-American, 0.0053%; no homozygotes.

Submissions (4):

Labcorp Genetics (formerly Invitae), Labcorp
Classification: Uncertain significance for Charcot-Marie-Tooth disease type 4. Last evaluated: 2024-11-11. Review status: criteria provided, single submitter. Criteria: Invitae Variant Classification Sherloc (09022015). Collection method: clinical testing. Allele origin: germline.
Comment: This sequence change replaces glutamic acid, which is acidic and polar, with lysine, which is basic and polar, at codon 302 of the FIG4 protein (p.Glu302Lys). This variant is present in population databases (rs587777714, gnomAD 0.009%). This missense change has been observed in individual(s) with clinical features of autosomal recessive Charcot-Marie-Tooth disease (PMID: 21705420). ClinVar contains an entry for this variant (Variation ID: 156015). An algorithm developed to predict the effect of missense changes on protein structure and function (PolyPhen-2) suggests that this variant is likely to be disruptive. Experimental studies have shown that this missense change affects FIG4 function (PMID: 21705420). In summary, the available evidence is currently insufficient to determine the role of this variant in disease. Therefore, it has been classified as a Variant of Uncertain Significance.

New York Genome Center
Classification: Likely pathogenic for Charcot-Marie-Tooth disease type 4J. Last evaluated: 2020-03-17. Review status: criteria provided, single submitter. Criteria: NYGC Assertion Criteria 2020. Collection method: clinical testing. Allele origin: germline. Observed: 1 heterozygote. Study: CSER-NYCKidSeq.

Inherited Neuropathy Consortium Ii, University Of Miami
Classification: Uncertain significance for Bilateral parasagittal parieto-occipital polymicrogyria. Last evaluated: 2020-12-22. Review status: no assertion criteria provided. Collection method: literature only. Allele origin: germline. Affected: yes. Not counted in ClinVar's aggregate classification.

OMIM
Classification: Pathogenic for CHARCOT-MARIE-TOOTH DISEASE, DEMYELINATING, TYPE 4J. Last evaluated: 2011-07-01. Review status: no assertion criteria provided. Collection method: literature only. Allele origin: germline. Not counted in ClinVar's aggregate classification.

Literature cited by the submitters: PubMed 21705420 (cited by 3 submitters).

NM_014845.6(FIG4):c.904G>A (p.Glu302Lys)

Gene: FIG4 (FIG4 phosphoinositide 5-phosphatase; plus strand). Cytogenetic location: 6q21.
Variant type: single nucleotide variant.
Coding change: c.904G>A on transcript NM_014845.6 (MANE Select); coding-DNA position 904, G replaced by A.
Protein change: p.Glu302Lys; replaces glutamic acid 302 with lysine.
Molecular consequence: missense variant.
Genome position (GRCh38, 1-based): chr6:109,743,137, G>A. VCF-style: chr6-109743137-G-A. GRCh37 (hg19) VCF-style: chr6-110064340-G-A.
Other names: short protein forms E302K.
Identifiers: ClinVar variation 156015 (VCV000156015.10), dbSNP rs587777714, ClinGen allele CA270673.